The following is an entry in ClinVar:

ClinVar aggregate classification (germline): Benign/Likely benign. Review status: criteria provided, multiple submitters, no conflicts (2 of 4 stars). 3 submissions from 3 submitters: Benign (2); Likely benign (1). Last evaluated 2026-02-01.

Allele frequency attached by ClinVar (database versions not stated): gnomAD exomes 0.00037 and 0.00107; ExAC 0.00134; 1000 Genomes Project 0.00399; gnomAD 0.00423 and 0.00458; 1000 Genomes Project 30x 0.00437; TOPMed 0.00473; ESP Exome Variant Server 0.00500.
gnomAD v4.1: 1,197 of 1,572,720 alleles (0.076%); highest among the groups gnomAD compares: African/African-American, 1.4%; 10 homozygotes.

Submissions (3):

Labcorp Genetics (formerly Invitae), Labcorp
Classification: Benign. Last evaluated: 2026-02-01. Review status: criteria provided, single submitter. Criteria: Invitae Variant Classification Sherloc (09022015). Collection method: clinical testing. Allele origin: germline.

Blueprint Genetics
Classification: Likely benign. Last evaluated: 2024-11-12. Review status: criteria provided, single submitter. Criteria: ACMG Guidelines, 2015. Collection method: clinical testing. Allele origin: germline.

CeGaT Center for Human Genetics Tuebingen
Classification: Benign. Last evaluated: 2024-06-01. Review status: criteria provided, single submitter. Criteria: CeGaT Center For Human Genetics Tuebingen Variant Classification Criteria Version 2. Collection method: clinical testing. Allele origin: germline. Affected: yes. Observed: 1 variant allele.
Comment: MAP3K20: BS1, BS2

NM_016653.3(MAP3K20):c.248-3T>C

Gene: MAP3K20 (mitogen-activated protein kinase kinase kinase 20; plus strand). Cytogenetic location: 2q31.1.
Variant type: single nucleotide variant.
Coding change: c.248-3T>C on transcript NM_016653.3 (MANE Select); 3 bases into the intron before coding-DNA position 248, T replaced by C.
Molecular consequence: intron variant.
Genome position (GRCh38, 1-based): chr2:173,182,851, T>C. VCF-style: chr2-173182851-T-C. GRCh37 (hg19) VCF-style: chr2-174047579-T-C.
Other names: c.248-3T>C (NM_133646.3).
Identifiers: ClinVar variation 709622 (VCV000709622.29), dbSNP rs145588073, ClinGen allele CA1970341.
Genomic context (GRCh38, chr2:173,182,851, plus strand): 5'-AAAGTCTTATTTCTGAAATGTATCTTGATTTTAATTATATGCTTATCTTTCCTTTTAAAA[T>C]AGAATATGCTTCTCTGGGATCACTCTATGATTACATTAACAGTAACAGAAGTGAGGAGAT-3'